The following is an entry in ClinVar:

ClinVar aggregate classification (germline): Pathogenic (1 of 4 stars; one submission).

Conditions:
Deficiency of aromatic-L-amino-acid decarboxylase. Also called: Aromatic L-Amino Acid Decarboxylase Deficiency; AADC DEFICIENCY; DDC DEFICIENCY; DOPA DECARBOXYLASE DEFICIENCY; Aromatic amino acid decarboxylase deficiency. Identifiers: Orphanet 35708, MedGen C1291564, MONDO:0012084, OMIM 608643.

Submission:

Labcorp Genetics (formerly Invitae), Labcorp
Classification: Pathogenic for Deficiency of aromatic-L-amino-acid decarboxylase. Last evaluated: 2025-12-21. Review status: criteria provided, single submitter. Criteria: Invitae Variant Classification Sherloc (09022015). Collection method: clinical testing. Allele origin: germline.
Comment: This sequence change creates a premature translational stop signal (p.Trp363*) in the DDC gene. It is expected to result in an absent or disrupted protein product. Loss-of-function variants in DDC are known to be pathogenic (PMID: 15079002, 24788355). This variant is not present in population databases (gnomAD no frequency). This variant has not been reported in the literature in individuals affected with DDC-related conditions. For these reasons, this variant has been classified as Pathogenic.

Literature cited by the submitters: PubMed 15079002; PubMed 24788355.

NM_001082971.2(DDC):c.1088_1098del (p.Met362_Trp363insTer)

Gene: DDC (dopa decarboxylase; minus strand). Cytogenetic location: 7p12.2.
Variant type: Deletion.
Coding change: c.1088_1098del on transcript NM_001082971.2 (MANE Select); coding-DNA positions 1088 to 1098, 11 bases deleted (GGTTTGTATTT).
Protein change: p.Met362_Trp363insTer.
Molecular consequence: nonsense.
Genome position (GRCh38, 1-based): chr7:50,470,115-50,470,125, AAATACAAACC deleted on the plus strand (GGTTTGTATTT on the coding strand, the reverse complement: DDC is on the minus strand); deleting any 11 consecutive bases within chr7:50,470,115-50,470,126 gives the same sequence; the c. name uses the placement nearest the transcript's 3' end. VCF-style (leftmost placement, unchanged base first): chr7-50470114-TAAATACAAACC-T. GRCh37 (hg19) VCF-style: chr7-50537812-TAAATACAAACC-T.
Other names: c.1088_1098del, p.Met362_Trp363insTer (NM_000790.4); c.974_984del, p.Met324_Trp325insTer (NM_001242886.2); c.944_954del, p.Met314_Trp315insTer (NM_001242887.2); c.854_864del, p.Met284_Trp285insTer (NM_001242888.2); c.809_819del, p.Met269_Trp270insTer (NM_001242889.2).
Identifiers: ClinVar variation 4733435 (VCV004733435.1).